The following is an entry in ClinVar:

NM_052845.4(MMAB):c.*564G>C

Gene: MMAB (metabolism of cobalamin associated B; minus strand). Cytogenetic location: 12q24.11.
Variant type: single nucleotide variant.
Coding change: c.*564G>C on transcript NM_052845.4 (MANE Select); 564 bases downstream of the stop codon, G replaced by C.
Molecular consequence: 3 prime UTR variant. On other transcripts: non-coding transcript variant (1).
Genome position (GRCh38, 1-based): chr12:109,556,464, C>G on the plus strand (G>C on the coding strand, the complement: MMAB is on the minus strand). VCF-style: chr12-109556464-C-G. GRCh37 (hg19) VCF-style: chr12-109994269-C-G.
Identifiers: ClinVar variation 307054 (VCV000307054.6), dbSNP rs56760240, ClinGen allele CA6778669.

ClinVar aggregate classification (germline): Benign. Review status: criteria provided, multiple submitters, no conflicts (2 of 4 stars). 2 submissions from 2 submitters: Benign (2). Last evaluated 2018-01-12.

Conditions:
Methylmalonic aciduria, cblB type (MACB). Also called: Vitamin B12-responsive methylmalonic acidemia type cblB; METHYLMALONIC ACIDURIA, VITAMIN B12-RESPONSIVE, DUE TO DEFECT IN SYNTHESIS OF ADENOSYLCOBALAMIN, cblB TYPE; Methylmalonic acidemia cblB type. Identifiers: Orphanet 28, Orphanet 79311, MedGen C1855102, MONDO:0009614, OMIM 251110.

Allele frequency attached by ClinVar (database versions not stated): 1000 Genomes Project 30x 0.02717; 1000 Genomes Project 0.02496; TOPMed 0.02631; gnomAD 0.02298 and 0.02466.
gnomAD v4.1: 4,365 of 454,074 alleles (0.96%); highest among the groups gnomAD compares: African/African-American, 7.8%; 145 homozygotes.

Submissions (2):

Illumina Laboratory Services, Illumina
Classification: Benign for Methylmalonic aciduria, cblB type. Last evaluated: 2018-01-12. Review status: criteria provided, single submitter. Criteria: ICSL Variant Classification Criteria 13 December 2019. Collection method: clinical testing. Allele origin: germline.
Comment: This variant was observed in the ICSL laboratory as part of a predisposition screen in an ostensibly healthy population. It had not been previously curated by ICSL or reported in the Human Gene Mutation Database (HGMD: prior to June 1st, 2018), and was therefore a candidate for classification through an automated scoring system. Utilizing variant allele frequency, disease prevalence and penetrance estimates, and inheritance mode, an automated score was calculated to assess if this variant is too frequent to cause the disease. Based on the score and internal cut-off values, a variant classified as benign is not then subjected to further curation. The score for this variant resulted in a classification of benign for this disease.

Breakthrough Genomics
Classification: Benign. Review status: criteria provided, single submitter. Criteria: ACMG Guidelines, 2015. Collection method: not provided. Allele origin: germline. Inheritance: Autosomal recessive inheritance. Affected: yes.